The following is an entry in ClinVar:

NM_000093.5(COL5A1):c.924+14_924+35del

Gene: COL5A1 (collagen type V alpha 1 chain; plus strand). Cytogenetic location: 9q34.3.
Variant type: Deletion.
Coding change: c.924+14_924+35del on transcript NM_000093.5 (MANE Select); bases 14 to 35 of the intron after coding-DNA position 924, 22 bases deleted (GGGGGACTGGGTTGGGCTGGGC).
Molecular consequence: intron variant.
Genome position (GRCh38, 1-based): chr9:134,728,821-134,728,842, GGGGGACTGGGTTGGGCTGGGC deleted; deleting any 22 consecutive bases within chr9:134,728,819-134,728,842 gives the same sequence; the c. name uses the placement nearest the transcript's 3' end. VCF-style (leftmost placement, unchanged base first): chr9-134728818-AGCGGGGGACTGGGTTGGGCTGG-A. GRCh37 (hg19) VCF-style: chr9-137620664-AGCGGGGGACTGGGTTGGGCTGG-A.
Other names: c.924+14_924+35del (NM_001278074.1).
Identifiers: ClinVar variation 3665764 (VCV003665764.2).

ClinVar aggregate classification (germline): Uncertain significance (1 of 4 stars; one submission).

Conditions:
Ehlers-Danlos syndrome, classic type, 1 (EDSCL1). Also called: EHLERS-DANLOS SYNDROME, GRAVIS TYPE; EHLERS-DANLOS SYNDROME, SEVERE CLASSIC TYPE; Ehlers-Danlos syndrome, type 1; Ehlers-Danlos Syndrome, Classic Type, COL5A1-Related; EDS I. Identifiers: MedGen C0268335, MONDO:0019567, OMIM 130000.

Submission:

Labcorp Genetics (formerly Invitae), Labcorp
Classification: Uncertain significance for Ehlers-Danlos syndrome, classic type, 1. Last evaluated: 2024-05-02. Review status: criteria provided, single submitter. Criteria: Invitae Variant Classification Sherloc (09022015). Collection method: clinical testing. Allele origin: germline.
Comment: This sequence change falls in intron 6 of the COL5A1 gene. It does not directly change the encoded amino acid sequence of the COL5A1 protein. This variant is present in population databases (rs777883359, gnomAD 0.003%). This variant has not been reported in the literature in individuals affected with COL5A1-related conditions. Experimental studies and prediction algorithms are not available or were not evaluated, and the effect of this variant on mRNA splicing is currently unknown. In summary, the available evidence is currently insufficient to determine the role of this variant in disease. Therefore, it has been classified as a Variant of Uncertain Significance.